The following is an entry in ClinVar:

ClinVar aggregate classification (germline): Uncertain significance (1 of 4 stars; one submission).

Allele frequency attached by ClinVar (database versions not stated): TOPMed below 0.00001.

Submission:

Labcorp Genetics (formerly Invitae), Labcorp
Classification: Uncertain significance. Last evaluated: 2021-02-24. Review status: criteria provided, single submitter. Criteria: Invitae Variant Classification Sherloc (09022015). Collection method: clinical testing. Allele origin: germline.
Comment: In summary, the available evidence is currently insufficient to determine the role of this variant in disease. Therefore, it has been classified as a Variant of Uncertain Significance. Algorithms developed to predict the effect of missense changes on protein structure and function are either unavailable or do not agree on the potential impact of this missense change (SIFT: "Tolerated"; PolyPhen-2: "Possibly Damaging"; Align-GVGD: "Class C0"). This variant has not been reported in the literature in individuals with PLOD2-related conditions. This variant is not present in population databases (ExAC no frequency). This sequence change replaces asparagine with aspartic acid at codon 82 of the PLOD2 protein (p.Asn82Asp). The asparagine residue is highly conserved and there is a small physicochemical difference between asparagine and aspartic acid.

NM_182943.3(PLOD2):c.244A>G (p.Asn82Asp)

Gene: PLOD2 (procollagen-lysine,2-oxoglutarate 5-dioxygenase 2; minus strand). Cytogenetic location: 3q24.
Variant type: single nucleotide variant.
Coding change: c.244A>G on transcript NM_182943.3 (MANE Select); coding-DNA position 244, A replaced by G.
Protein change: p.Asn82Asp; replaces asparagine 82 with aspartic acid.
Molecular consequence: missense variant.
Genome position (GRCh38, 1-based): chr3:146,121,206, T>C on the plus strand (A>G on the coding strand, the complement: PLOD2 is on the minus strand). VCF-style: chr3-146121206-T-C. GRCh37 (hg19) VCF-style: chr3-145838993-T-C.
Other names: c.244A>G, p.Asn82Asp (NM_000935.3); short protein forms N82D.
Identifiers: ClinVar variation 1463400 (VCV001463400.8), dbSNP rs1021969159, ClinGen allele CA84490557.